The following is an entry in ClinVar:

ClinVar aggregate classification (germline): Uncertain significance (1 of 4 stars; one submission).

Conditions:
Fanconi anemia complementation group O. Also called: RAD51C-Related Fanconi Anemia. Identifiers: Orphanet 84, MedGen C3150653, MONDO:0013248, OMIM 613390.

Submission:

Labcorp Genetics (formerly Invitae), Labcorp
Classification: Uncertain significance for Fanconi anemia complementation group O. Last evaluated: 2023-06-02. Review status: criteria provided, single submitter. Criteria: Invitae Variant Classification Sherloc (09022015). Collection method: clinical testing. Allele origin: unknown.
Comment: In summary, the available evidence is currently insufficient to determine the role of this variant in disease. Therefore, it has been classified as a Variant of Uncertain Significance. This variant has not been reported in the literature in individuals affected with RAD51C-related conditions. This variant results in a copy number gain of the genomic region encompassing exon(s) 1-2 of the RAD51C gene. This region includes the initiator codon of the gene. This copy number gain extends beyond the assayed region for this gene and therefore may encompass additional genes. As the precise location of this event is unknown, it may be in tandem or it may be located elsewhere in the genome.

NC_000017.10:g.(?_56769986)_(56772560_?)dup

Gene: RAD51C (RAD51 paralog C; plus strand). Cytogenetic location: 17q22.
Variant type: Duplication.
Identifiers: ClinVar variation 3243089 (VCV003243089.1).